The following is an entry in ClinVar:

NM_018249.6(CDK5RAP2):c.2893C>T (p.Gln965Ter)

Gene: CDK5RAP2 (CDK5 regulatory subunit associated protein 2; minus strand). Cytogenetic location: 9q33.2.
Variant type: single nucleotide variant.
Coding change: c.2893C>T on transcript NM_018249.6 (MANE Select); coding-DNA position 2893, C replaced by T.
Protein change: p.Gln965Ter; replaces glutamine 965 with a stop codon.
Molecular consequence: nonsense. On other transcripts: non-coding transcript variant (5).
Genome position (GRCh38, 1-based): chr9:120,448,027, G>A on the plus strand (C>T on the coding strand, the complement: CDK5RAP2 is on the minus strand). VCF-style: chr9-120448027-G-A. GRCh37 (hg19) VCF-style: chr9-123210305-G-A.
Other names: c.2893C>T, p.Gln965Ter (NM_001011649.3); c.2203C>T, p.Gln735Ter (NM_001272039.2); c.2794C>T, p.Gln932Ter (NM_001410992.1); c.2797C>T, p.Gln933Ter (NM_001410993.1); c.2890C>T, p.Gln964Ter (NM_001410994.1); short protein forms Q933*, Q965*, Q735*, Q964*, Q932*.
Identifiers: ClinVar variation 3692213 (VCV003692213.2).

ClinVar aggregate classification (germline): Pathogenic (1 of 4 stars; one submission).

gnomAD v4.1: 7 of 1,614,030 alleles (0.00043%); highest among the groups gnomAD compares: African/African-American, 0.0013%; no homozygotes.

Submission:

Labcorp Genetics (formerly Invitae), Labcorp
Classification: Pathogenic. Last evaluated: 2025-01-19. Review status: criteria provided, single submitter. Criteria: Invitae Variant Classification Sherloc (09022015). Collection method: clinical testing. Allele origin: germline.
Comment: This sequence change creates a premature translational stop signal (p.Gln965*) in the CDK5RAP2 gene. It is expected to result in an absent or disrupted protein product. Loss-of-function variants in CDK5RAP2 are known to be pathogenic (PMID: 15793586, 20460369, 26436113). This variant is not present in population databases (gnomAD no frequency). This variant has not been reported in the literature in individuals affected with CDK5RAP2-related conditions. For these reasons, this variant has been classified as Pathogenic.

Literature cited by the submitters: PubMed 15793586; PubMed 20460369; PubMed 26436113.